The following is an entry in ClinVar:

ClinVar aggregate classification (germline): Uncertain significance. Review status: criteria provided, multiple submitters, no conflicts (2 of 4 stars). 2 submissions from 2 submitters: Uncertain significance (2). Last evaluated 2025-08-20.

Conditions:
Joubert syndrome 23 (JBTS23). Identifiers: Orphanet 475, MedGen C4084822, MONDO:0014664, OMIM 616490.
Short-rib thoracic dysplasia 14 with polydactyly (SRTD14). Identifiers: Orphanet 397715, MedGen C4225286, MONDO:0014688, OMIM 616546.
Inborn genetic diseases. Identifiers: MedGen C0950123, MeSH D030342.

Allele frequency attached by ClinVar (database versions not stated): gnomAD exomes 0.00001.
gnomAD v4.1: 18 of 1,545,152 alleles (0.0012%); highest among the groups gnomAD compares: East Asian, 0.0024%; no homozygotes.

Submissions (2):

Ambry Genetics
Classification: Uncertain significance for Inborn genetic diseases. Last evaluated: 2025-08-20. Review status: criteria provided, single submitter. Criteria: Ambry Variant Classification Scheme 2023. Collection method: clinical testing. Allele origin: germline.

Labcorp Genetics (formerly Invitae), Labcorp
Classification: Uncertain significance for Joubert syndrome 23; Short-rib thoracic dysplasia 14 with polydactyly. Last evaluated: 2022-07-05. Review status: criteria provided, single submitter. Criteria: Invitae Variant Classification Sherloc (09022015). Collection method: clinical testing. Allele origin: germline.
Comment: This sequence change replaces aspartic acid, which is acidic and polar, with glycine, which is neutral and non-polar, at codon 1327 of the KIAA0586 protein (p.Asp1327Gly). This variant is not present in population databases (gnomAD no frequency). This variant has not been reported in the literature in individuals affected with KIAA0586-related conditions. Algorithms developed to predict the effect of missense changes on protein structure and function are either unavailable or do not agree on the potential impact of this missense change (SIFT: "Deleterious"; PolyPhen-2: "Probably Damaging"; Align-GVGD: "Class C0"). In summary, the available evidence is currently insufficient to determine the role of this variant in disease. Therefore, it has been classified as a Variant of Uncertain Significance.

NM_001329943.3(KIAA0586):c.3821A>G (p.Asp1274Gly)

Gene: KIAA0586 (KIAA0586; plus strand). Cytogenetic location: 14q23.1.
Variant type: single nucleotide variant.
Coding change: c.3821A>G on transcript NM_001329943.3 (MANE Select); coding-DNA position 3821, A replaced by G.
Protein change: p.Asp1274Gly; replaces aspartic acid 1274 with glycine.
Molecular consequence: missense variant.
Genome position (GRCh38, 1-based): chr14:58,490,203, A>G. VCF-style: chr14-58490203-A-G. GRCh37 (hg19) VCF-style: chr14-58956921-A-G.
Other names: c.3980A>G, p.Asp1327Gly (NM_001244189.2); c.3776A>G, p.Asp1259Gly (NM_001244190.2); c.3566A>G, p.Asp1189Gly (NM_001244191.2, NM_001329945.2, NM_001364700.1 and 1 more transcripts); c.3689A>G, p.Asp1230Gly (NM_001244192.2); c.3401A>G, p.Asp1134Gly (NM_001244193.2); c.3821A>G, p.Asp1274Gly (NM_001329944.2, NM_001329946.2, NM_001329947.2); c.3593A>G, p.Asp1198Gly (NM_014749.5); c.3593A>G (NM_014749.3); short protein forms D1274G, D1327G, D1230G, D1198G, D1134G, D1189G, D1259G.
Identifiers: ClinVar variation 2191502 (VCV002191502.4), dbSNP rs2042745725, ClinGen allele CA389883441.